The following is an entry in ClinVar:

ClinVar aggregate classification (germline): Uncertain significance (1 of 4 stars; one submission).

Allele frequency attached by ClinVar (database versions not stated): gnomAD exomes 0.00001.
gnomAD v4.1: 13 of 1,613,320 alleles (0.00081%); highest among the groups gnomAD compares: South Asian, 0.011%; no homozygotes.

Submission:

Labcorp Genetics (formerly Invitae), Labcorp
Classification: Uncertain significance. Last evaluated: 2022-08-31. Review status: criteria provided, single submitter. Criteria: Invitae Variant Classification Sherloc (09022015). Collection method: clinical testing. Allele origin: germline.
Comment: In summary, the available evidence is currently insufficient to determine the role of this variant in disease. Therefore, it has been classified as a Variant of Uncertain Significance. Algorithms developed to predict the effect of sequence changes on RNA splicing suggest that this variant may create or strengthen a splice site. Algorithms developed to predict the effect of missense changes on protein structure and function are either unavailable or do not agree on the potential impact of this missense change (SIFT: "Tolerated"; PolyPhen-2: "Possibly Damaging"; Align-GVGD: "Class C0"). This variant has not been reported in the literature in individuals affected with TONSL-related conditions. This variant is not present in population databases (gnomAD no frequency). This sequence change replaces alanine, which is neutral and non-polar, with valine, which is neutral and non-polar, at codon 1166 of the TONSL protein (p.Ala1166Val).

NM_013432.5(TONSL):c.3497C>T (p.Ala1166Val)

Gene: TONSL (tonsoku like, DNA repair protein; minus strand). Cytogenetic location: 8q24.3.
Variant type: single nucleotide variant.
Coding change: c.3497C>T on transcript NM_013432.5 (MANE Select); coding-DNA position 3497, C replaced by T.
Protein change: p.Ala1166Val; replaces alanine 1166 with valine.
Molecular consequence: missense variant.
Genome position (GRCh38, 1-based): chr8:144,433,650, G>A on the plus strand (C>T on the coding strand, the complement: TONSL is on the minus strand). VCF-style: chr8-144433650-G-A. GRCh37 (hg19) VCF-style: chr8-145659033-G-A.
Other names: short protein forms A1166V.
Identifiers: ClinVar variation 2417698 (VCV002417698.6), dbSNP rs2537479885, ClinGen allele CA372644278.